The following is an entry in ClinVar:

ClinVar aggregate classification (germline): Uncertain significance (1 of 4 stars; one submission).

Submission:

Labcorp Genetics (formerly Invitae), Labcorp
Classification: Uncertain significance. Last evaluated: 2024-11-16. Review status: criteria provided, single submitter. Criteria: Invitae Variant Classification Sherloc (09022015). Collection method: clinical testing. Allele origin: germline.
Comment: This sequence change replaces asparagine, which is neutral and polar, with serine, which is neutral and polar, at codon 456 of the RELA protein (p.Asn456Ser). This variant is not present in population databases (gnomAD no frequency). This variant has not been reported in the literature in individuals affected with RELA-related conditions. An algorithm developed to predict the effect of missense changes on protein structure and function outputs the following: PolyPhen-2: "Benign". The serine amino acid residue is found in multiple mammalian species, which suggests that this missense change does not adversely affect protein function. In summary, the available evidence is currently insufficient to determine the role of this variant in disease. Therefore, it has been classified as a Variant of Uncertain Significance.

NM_021975.4(RELA):c.1367A>G (p.Asn456Ser)

Gene: RELA (RELA proto-oncogene, NF-kB subunit; minus strand). Cytogenetic location: 11q13.1.
Variant type: single nucleotide variant.
Coding change: c.1367A>G on transcript NM_021975.4 (MANE Select); coding-DNA position 1367, A replaced by G.
Protein change: p.Asn456Ser; replaces asparagine 456 with serine.
Molecular consequence: missense variant. On other transcripts: intron variant (1).
Genome position (GRCh38, 1-based): chr11:65,654,667, T>C on the plus strand (A>G on the coding strand, the complement: RELA is on the minus strand). VCF-style: chr11-65654667-T-C. GRCh37 (hg19) VCF-style: chr11-65422138-T-C.
Other names: c.1358A>G, p.Asn453Ser (NM_001145138.2); c.1160A>G, p.Asn387Ser (NM_001243984.2); c.1400A>G, p.Asn467Ser (NM_001404657.1); c.1340A>G, p.Asn447Ser (NM_001404658.1); c.1154A>G, p.Asn385Ser (NM_001404659.1); c.1049A>G, p.Asn350Ser (NM_001404660.1); c.986A>G, p.Asn329Ser (NM_001404661.1); c.1274A>G, p.Asn425Ser (NM_001404662.1, NM_001404663.1); and 1 more; short protein forms N329S, N350S, N385S, N387S, N425S, N447S, N453S, N456S.
Identifiers: ClinVar variation 3614234 (VCV003614234.2).